The following is an entry in ClinVar:

NM_004044.7(ATIC):c.869A>G (p.Tyr290Cys)

Gene: ATIC (5-aminoimidazole-4-carboxamide ribonucleotide formyltransferase/IMP cyclohydrolase; plus strand). Cytogenetic location: 2q35.
Variant type: single nucleotide variant.
Coding change: c.869A>G on transcript NM_004044.7 (MANE Select); coding-DNA position 869, A replaced by G.
Protein change: p.Tyr290Cys; replaces tyrosine 290 with cysteine.
Molecular consequence: missense variant.
Genome position (GRCh38, 1-based): chr2:215,333,404, A>G. VCF-style: chr2-215333404-A-G. GRCh37 (hg19) VCF-style: chr2-216198127-A-G.
Other names: short protein forms Y290C.
Identifiers: ClinVar variation 1412552 (VCV001412552.6), dbSNP rs773792940, ClinGen allele CA2093113.

ClinVar aggregate classification (germline): Uncertain significance (1 of 4 stars; one submission).

Allele frequency attached by ClinVar (database versions not stated): gnomAD 0.00001; gnomAD exomes 0.00003 and 0.00008; TOPMed 0.00003; ExAC 0.00004.
gnomAD v4.1: 109 of 1,614,044 alleles (0.0068%); highest among the groups gnomAD compares: Non-Finnish European, 0.0092%; 1 homozygote.

Submission:

Labcorp Genetics (formerly Invitae), Labcorp
Classification: Uncertain significance. Last evaluated: 2023-01-13. Review status: criteria provided, single submitter. Criteria: Invitae Variant Classification Sherloc (09022015). Collection method: clinical testing. Allele origin: germline.
Comment: In summary, the available evidence is currently insufficient to determine the role of this variant in disease. Therefore, it has been classified as a Variant of Uncertain Significance. Algorithms developed to predict the effect of missense changes on protein structure and function (SIFT, PolyPhen-2, Align-GVGD) all suggest that this variant is likely to be tolerated. ClinVar contains an entry for this variant (Variation ID: 1412552). This variant has not been reported in the literature in individuals affected with ATIC-related conditions. This variant is present in population databases (rs773792940, gnomAD 0.006%). This sequence change replaces tyrosine, which is neutral and polar, with cysteine, which is neutral and slightly polar, at codon 290 of the ATIC protein (p.Tyr290Cys).